The following is an entry in ClinVar:

ClinVar aggregate classification (germline): Conflicting classifications of pathogenicity. Review status: criteria provided, conflicting classifications (1 of 4 stars). 8 submissions from 8 submitters: Uncertain significance (4); Likely benign (3). 1 of the submissions does not count toward it. Last evaluated 2025-05-07.

Conditions:
BRCA2-related cancer predisposition. Identifiers: MedGen CN377758, MONDO:0700269.
Hereditary cancer-predisposing syndrome. Also called: Tumor predisposition; Hereditary neoplastic syndrome; Neoplastic Syndromes, Hereditary; Hereditary Cancer Syndrome. Identifiers: Orphanet 140162, MedGen C0027672, MeSH D009386, MONDO:0015356.
Hereditary breast ovarian cancer syndrome. Also called: Hereditary breast and ovarian cancer; Breast and ovarian cancer; Hereditary breast and ovarian cancer syndrome (HBOC); Hereditary breast and/or ovarian cancer syndrome; Hereditary breast and ovarian cancer syndrome; BRCA1- and BRCA2-Associated Hereditary Breast and Ovarian Cancer. Identifiers: Orphanet 145, MedGen C0677776, MeSH D061325, MONDO:0003582. Disease mechanism: loss of function.
Familial cancer of breast. Also called: BREAST CANCER, FAMILIAL; hereditary breast carcinoma; Hereditary breast cancer. Identifiers: Orphanet 227535, MedGen C0346153, MONDO:0016419, OMIM 114480. Disease mechanism: loss of function.

Allele frequency attached by ClinVar (database versions not stated): gnomAD exomes below 0.00001; TOPMed below 0.00001.
gnomAD v4.1: 5 of 1,610,512 alleles (0.00031%); highest among the groups gnomAD compares: Admixed American, 0.0017%; no homozygotes.

Submissions (8):

Labcorp Genetics (formerly Invitae), Labcorp
Classification: Likely benign for Hereditary breast ovarian cancer syndrome. Last evaluated: 2025-05-07. Review status: criteria provided, single submitter. Criteria: Invitae Variant Classification Sherloc (09022015). Collection method: clinical testing. Allele origin: germline.

Ambry Genetics
Classification: Uncertain significance for Hereditary cancer-predisposing syndrome. Last evaluated: 2024-08-24. Review status: criteria provided, single submitter. Criteria: Ambry Variant Classification Scheme 2023. Collection method: clinical testing. Allele origin: germline.
Comment: The p.Y839H variant (also known as c.2515T>C), located in coding exon 10 of the BRCA2 gene, results from a T to C substitution at nucleotide position 2515. The tyrosine at codon 839 is replaced by histidine, an amino acid with similar properties. This amino acid position is not well conserved in available vertebrate species. In addition, this alteration is predicted to be tolerated by in silico analysis. Since supporting evidence is limited at this time, the clinical significance of this alteration remains unclear.

All of Us Research Program, National Institutes of Health
Classification: Uncertain significance for BRCA2-related cancer predisposition. Last evaluated: 2024-05-14. Review status: criteria provided, single submitter. Criteria: ACMG Guidelines, 2015. Collection method: clinical testing. Allele origin: germline. Inheritance: Autosomal dominant inheritance. Observed: 5 variant alleles, 5 heterozygotes.
Comment: This missense variant replaces tyrosine with histidine at codon 839 of the BRCA2 protein. Computational prediction suggests that this variant may not impact protein structure and function (internally defined REVEL score threshold <= 0.5, PMID: 27666373). To our knowledge, functional studies have not been reported for this variant. This variant has been reported in a multifactorial analysis with co-occurrence and family history likelihood ratios for pathogenicity of 1.08 and 0.17, respectively (PMID: 31131967). This variant has not been identified in the general population by the Genome Aggregation Database (gnomAD). The available evidence is insufficient to determine the role of this variant in disease conclusively. Therefore, this variant is classified as a Variant of Uncertain Significance.

This study involves interpretation of variants in research participants for the purpose of population health screening. Participant phenotype was not available at the time of variant classification. Additional details can be found in publication PMID: 35346344, PMCID: PMC8962531

Color Diagnostics, LLC DBA Color Health
Classification: Uncertain significance for Hereditary cancer-predisposing syndrome. Last evaluated: 2024-04-23. Review status: criteria provided, single submitter. Criteria: ACMG Guidelines, 2015. Collection method: clinical testing. Allele origin: germline.
Comment: This missense variant replaces tyrosine with histidine at codon 839 of the BRCA2 protein. Computational prediction suggests that this variant may not impact protein structure and function. To our knowledge, functional studies have not been reported for this variant. This variant has been reported in a multifactorial analysis with co-occurrence and family history likelihood ratios for pathogenicity of 1.08 and 0.17, respectively (PMID: 31131967). This variant has not been identified in the general population by the Genome Aggregation Database (gnomAD). The available evidence is insufficient to determine the role of this variant in disease conclusively. Therefore, this variant is classified as a Variant of Uncertain Significance.

MGZ Medical Genetics Center
Classification: Likely benign for Familial cancer of breast. Last evaluated: 2024-02-09. Review status: criteria provided, single submitter. Criteria: CSpec BRCA1/2ACMG Rules Specifications V1.1.0. Collection method: clinical testing. Allele origin: germline. Affected: yes.
Comment: ACMG codes applied following ENIGMA VCEP rules: BP1_STR, PM2_SUP

Women's Health and Genetics/Laboratory Corporation of America, LabCorp
Classification: Uncertain significance. Last evaluated: 2023-08-23. Review status: criteria provided, single submitter. Criteria: LabCorp Variant Classification Summary - May 2015. Collection method: clinical testing. Allele origin: germline.
Comment: Variant summary: BRCA2 c.2515T>C (p.Tyr839His) results in a conservative amino acid change in the encoded protein sequence. Five of five in-silico tools predict a benign effect of the variant on protein function. A report from the CAGI5 (fifth Critical Assessment of Genome Interpretation) challenge has classified this variant as likely benign in a prediction protocol that includes assessment of the impact of this variant on splicing and protein function using four sets of predictors (Padilla_2019). The variant was absent in 247384 control chromosomes (gnomAD). The available data on variant occurrences in the general population are insufficient to allow any conclusion about variant significance. To our knowledge, no occurrence of c.2515T>C in individuals affected with Hereditary Breast And Ovarian Cancer Syndrome and no experimental evidence demonstrating its impact on protein function have been reported. The following publications have been ascertained in the context of this evaluation (PMID: 24728327, 31294896, 31112341, 33471991). Four ClinVar submitters have assessed the variant since 2014: three classified the variant as uncertain significance and one as likely benign. Based on the evidence outlined above, the variant was classified as uncertain significance.

University of Washington Department of Laboratory Medicine, University of Washington
Classification: Likely benign for Hereditary cancer-predisposing syndrome. Last evaluated: 2023-03-23. Review status: criteria provided, single submitter. Criteria: Dines et al. (Genet Med. 2020). Collection method: curation. Allele origin: germline.
Comment: Missense variant in a coldspot region where missense variants are very unlikely to be pathogenic (PMID:31911673).

BRCA2 exon 11 coldspot. Reclassification based on statistical prior probability.

ITMI
No classification provided. Condition: AllHighlyPenetrant. Last evaluated: 2013-09-19. Review status: no classification provided. Collection method: reference population. Allele origin: germline. Not counted in ClinVar's aggregate classification.
Comment: Please see associated publication for description of ethnicities

Literature cited by the submitters: PubMed 31131967 (cited by All of Us Research Program, National Institutes of Health and Color Diagnostics, LLC DBA Color Health); PubMed 24728327 (cited by Women's Health and Genetics/Laboratory Corporation of America, LabCorp and ITMI); PubMed 31112341 (cited by Women's Health and Genetics/Laboratory Corporation of America, LabCorp); PubMed 31294896 (cited by Women's Health and Genetics/Laboratory Corporation of America, LabCorp); PubMed 33471991 (cited by Women's Health and Genetics/Laboratory Corporation of America, LabCorp).

NM_000059.4(BRCA2):c.2515T>C (p.Tyr839His)

Gene: BRCA2 (BRCA2 DNA repair associated; plus strand). Cytogenetic location: 13q13.1.
Variant type: single nucleotide variant.
Coding change: c.2515T>C on transcript NM_000059.4 (MANE Select); coding-DNA position 2515, T replaced by C.
Protein change: p.Tyr839His; replaces tyrosine 839 with histidine.
Molecular consequence: missense variant.
Genome position (GRCh38, 1-based): chr13:32,336,870, T>C. VCF-style: chr13-32336870-T-C. GRCh37 (hg19) VCF-style: chr13-32911007-T-C.
Other names: short protein forms Y839H.
Identifiers: ClinVar variation 133735 (VCV000133735.27), dbSNP rs587778125, ClinGen allele CA015518.